The following is an entry in ClinVar:

ClinVar aggregate classification (germline): Conflicting classifications of pathogenicity. Review status: criteria provided, conflicting classifications (1 of 4 stars). 2 submissions from 2 submitters: Uncertain significance (1); Likely benign (1). Last evaluated 2025-11-09.

Conditions:
Developmental and epileptic encephalopathy, 9 (DEE9). Also called: Early infantile epileptic encephalopathy 9; EPILEPSY, FEMALE-RESTRICTED, WITH MENTAL RETARDATION; PCDH19-Related X-Linked Female-Limited Epilepsy with Mental Retardation; JUBERG-HELLMAN SYNDROME. Identifiers: Orphanet 101039, Orphanet 2076, MedGen C1848137, MONDO:0010246, OMIM 300088. Disease mechanism: loss of function.

Allele frequency attached by ClinVar (database versions not stated): gnomAD exomes 0.00002.
gnomAD v4.1: 26 of 1,210,027 alleles (0.0021%); highest among the groups gnomAD compares: Middle Eastern, 0.023%; no homozygotes.

Submissions (2):

Labcorp Genetics (formerly Invitae), Labcorp
Classification: Uncertain significance for Developmental and epileptic encephalopathy, 9. Last evaluated: 2025-11-09. Review status: criteria provided, single submitter. Criteria: Invitae Variant Classification Sherloc (09022015). Collection method: clinical testing. Allele origin: germline.
Comment: This sequence change replaces asparagine, which is neutral and polar, with serine, which is neutral and polar, at codon 1103 of the PCDH19 protein (p.Asn1103Ser). This variant is present in population databases (rs754499060, gnomAD 0.01%). This missense change has been observed in individuals with PCDH19-related conditions (internal data). ClinVar contains an entry for this variant (Variation ID: 678986). Invitae Evidence Modeling of protein sequence and biophysical properties (such as structural, functional, and spatial information, amino acid conservation, physicochemical variation, residue mobility, and thermodynamic stability) indicates that this missense variant is not expected to disrupt PCDH19 protein function with a negative predictive value of 95%. In summary, the available evidence is currently insufficient to determine the role of this variant in disease. Therefore, it has been classified as a Variant of Uncertain Significance.

GeneDx
Classification: Likely benign. Last evaluated: 2018-06-06. Review status: criteria provided, single submitter. Criteria: GeneDx Variant Classification (06012015). Collection method: clinical testing. Allele origin: germline. Affected: yes.
Comment: This variant is considered likely benign or benign based on one or more of the following criteria: it is a conservative change, it occurs at a poorly conserved position in the protein, it is predicted to be benign by multiple in silico algorithms, and/or has population frequency not consistent with disease.

NM_001184880.2(PCDH19):c.3308A>G (p.Asn1103Ser)

Gene: PCDH19 (protocadherin 19; minus strand). Cytogenetic location: Xq22.1.
Variant type: single nucleotide variant.
Coding change: c.3308A>G on transcript NM_001184880.2 (MANE Select); coding-DNA position 3308, A replaced by G.
Protein change: p.Asn1103Ser; replaces asparagine 1103 with serine.
Molecular consequence: missense variant.
Genome position (GRCh38, 1-based): chrX:100,296,416, T>C on the plus strand (A>G on the coding strand, the complement: PCDH19 is on the minus strand). VCF-style: chrX-100296416-T-C. GRCh37 (hg19) VCF-style: chrX-99551414-T-C.
Other names: c.3167A>G, p.Asn1056Ser (NM_001105243.2); c.3164A>G, p.Asn1055Ser (NM_020766.3); short protein forms N1056S, N1055S, N1103S.
Identifiers: ClinVar variation 678986 (VCV000678986.10), dbSNP rs754499060, ClinGen allele CA10468640.
Genomic context (GRCh38, chrX:100,296,416, plus strand): 5'-TGCATGACTTTCTCGCTATCAGCTCCACGGGGCTCAGCTTCAGAGGGACGAGTAGGGCCA[T>C]TGTTGACATTGTTGACATACTGCTCCAGATCACGGGCTGGGGGAGCCAGGGCAATGGTGT-3'
Protein context (NP_001171809.1, residues 1093-1113): DLEQYVNNVN[Asn1103Ser]GPTRPSEAEP